The following is an entry in ClinVar:

NM_001953.5(TYMP):c.478T>C (p.Ser160Pro)

Gene: TYMP (thymidine phosphorylase; minus strand). Cytogenetic location: 22q13.33.
Variant type: single nucleotide variant.
Coding change: c.478T>C on transcript NM_001953.5 (MANE Select); coding-DNA position 478, T replaced by C.
Protein change: p.Ser160Pro; replaces serine 160 with proline.
Molecular consequence: missense variant.
Genome position (GRCh38, 1-based): chr22:50,528,550, A>G on the plus strand (T>C on the coding strand, the complement: TYMP is on the minus strand). VCF-style: chr22-50528550-A-G. GRCh37 (hg19) VCF-style: chr22-50966979-A-G.
Other names: Ser>Pro; c.478T>C, p.Ser160Pro (LRG_727t1, LRG_727t2, NM_001113755.3 and 3 more transcripts); short protein forms S160P.
Identifiers: ClinVar variation 223030 (VCV000223030.2), dbSNP rs1064792864, ClinGen allele CA16616780.

ClinVar aggregate classification (germline): Likely pathogenic. Review status: criteria provided, single submitter (1 of 4 stars). 2 submissions from 2 submitters: Likely pathogenic (1). 1 of the submissions does not count toward it. Last evaluated 2025-11-14.

Conditions:
Mitochondrial DNA depletion syndrome 1. Also called: Mitochondrial neurogastrointestinal encephalomyopathy syndrome; Mitochondrial DNA Depletion Syndrome, MNGIE Form; Mitochondrial DNA depletion syndrome 1 (MNGIE type); Mitochondrial Neurogastrointestinal Encephalopathy Disease; MITOCHONDRIAL NEUROGASTROINTESTINAL ENCEPHALOPATHY SYNDROME, TYMP-RELATED; MNGIE, TYMP-RELATED. Identifiers: Orphanet 298, MedGen C4551995, MONDO:0011283, OMIM 603041.

Submissions (2):

Women's Health and Genetics/Laboratory Corporation of America, LabCorp
Classification: Likely pathogenic for Mitochondrial DNA depletion syndrome 1. Last evaluated: 2025-11-14. Review status: criteria provided, single submitter. Criteria: LabCorp Variant Classification Summary - May 2015. Collection method: clinical testing. Allele origin: germline.
Comment: Variant summary: TYMP c.478T>C (p.Ser160Pro) results in a non-conservative amino acid change in the encoded protein sequence. Algorithms developed to predict the effect of missense changes on protein structure and function all suggest that this variant is likely to be disruptive. The variant was absent in 251218 control chromosomes. c.478T>C has been observed in a homozygous individual affected with Mitochondrial DNA Depletion Syndrome 1 (MNGIE type) (Nishino_2000). These data indicate that the variant may be associated with disease. At least one publication reports experimental evidence evaluating an impact on protein function and found the variant resulted in absent TP enzyme activity in leukocytes from a homozygous patient (Nishino_2000). The following publication has been ascertained in the context of this evaluation (PMID: 10852545). ClinVar contains an entry for this variant (Variation ID: 223030). Based on the evidence outlined above, the variant was classified as likely pathogenic.

GeneReviews
Classification: Pathogenic for Mitochondrial DNA depletion syndrome 1. Last evaluated: 2016-01-14. Review status: no assertion criteria provided. Collection method: literature only. Allele origin: germline. Affected: yes. Not counted in ClinVar's aggregate classification.

Literature cited by the submitters: PubMed 10852545 (cited by Women's Health and Genetics/Laboratory Corporation of America, LabCorp and GeneReviews).